The following is an entry in ClinVar:

NM_016341.4(PLCE1):c.4935G>A (p.Leu1645=)

Genes: PLCE1 (phospholipase C epsilon 1; plus strand), PLCE1-AS1 (PLCE1 antisense RNA 1; minus strand). Cytogenetic location: 10q23.33.
Variant type: single nucleotide variant.
Coding change: c.4935G>A on transcript NM_016341.4 (MANE Select); coding-DNA position 4935, G replaced by A.
Protein change: p.Leu1645=; no amino-acid change (leucine 1645 retained).
Molecular consequence: synonymous variant.
Genome position (GRCh38, 1-based): chr10:94,284,865, G>A. VCF-style: chr10-94284865-G-A. GRCh37 (hg19) VCF-style: chr10-96044622-G-A.
Other names: c.4011G>A, p.Leu1337= (NM_001165979.2); c.4887G>A, p.Leu1629= (NM_001288989.2).
Identifiers: ClinVar variation 290123 (VCV000290123.18), dbSNP rs369632735, ClinGen allele CA5613258.
Genomic context (GRCh38, chr10:94,284,865, plus strand): 5'-CATATACCTTCCATGTAAAATGGTATCATTTTTCCCTTACCAGGTTTATGATATGGAACT[G>A]GGAGAAGAATTTTATCTTGATCAGAATAAAAAGGAAAGCAGACAGATTGCACCAGAGCTT-3'
Protein context (NP_057425.3, residues 1635-1655): CNKGKVYDME[Leu1645=]GEEFYLDQNK

ClinVar aggregate classification (germline): Conflicting classifications of pathogenicity. Review status: criteria provided, conflicting classifications (1 of 4 stars). 6 submissions from 6 submitters: Uncertain significance (2); Likely benign (4). Last evaluated 2025-07-21.

Conditions:
PLCE1-related disorder. Also called: PLCE1-related condition.
Nephrotic syndrome, type 3 (NPHS3). Also called: NEPHROTIC SYNDROME, EARLY-ONSET, TYPE 3. Identifiers: Orphanet 656, MedGen C1853124, MONDO:0012546, OMIM 610725.

Allele frequency attached by ClinVar (database versions not stated): 1000 Genomes Project 30x 0.00031; ExAC 0.00056; gnomAD exomes 0.00056 and 0.00103; ESP Exome Variant Server 0.00068; gnomAD 0.00071 and 0.00076; TOPMed 0.00075.
gnomAD v4.1: 1,639 of 1,598,358 alleles (0.1%); highest among the groups gnomAD compares: Non-Finnish European, 0.13%; 4 homozygotes.

Submissions (6):

Labcorp Genetics (formerly Invitae), Labcorp
Classification: Likely benign. Last evaluated: 2025-07-21. Review status: criteria provided, single submitter. Criteria: Invitae Variant Classification Sherloc (09022015). Collection method: clinical testing. Allele origin: germline.

PreventionGenetics, part of Exact Sciences
Classification: Likely benign for PLCE1-related condition. Last evaluated: 2024-10-16. Review status: criteria provided, single submitter. Criteria: ACMG Guidelines, 2015. Collection method: clinical testing. Allele origin: germline.
Comment: This variant is classified as likely benign based on ACMG/AMP sequence variant interpretation guidelines (Richards et al. 2015 PMID: 25741868, with internal and published modifications).

Blueprint Genetics
Classification: Likely benign. Last evaluated: 2024-09-06. Review status: criteria provided, single submitter. Criteria: ACMG Guidelines, 2015. Collection method: clinical testing. Allele origin: germline.

GeneDx
Classification: Likely benign. Last evaluated: 2019-10-11. Review status: criteria provided, single submitter. Criteria: GeneDx Variant Classification Process June 2021. Collection method: clinical testing. Allele origin: germline. Affected: yes.

Illumina Laboratory Services, Illumina
Classification: Uncertain significance for Nephrotic syndrome, type 3. Last evaluated: 2018-01-12. Review status: criteria provided, single submitter. Criteria: ICSL Variant Classification Criteria 13 December 2019. Collection method: clinical testing. Allele origin: germline.

Eurofins Ntd Llc (ga)
Classification: Uncertain significance. Last evaluated: 2016-09-06. Review status: criteria provided, single submitter. Criteria: EGL Classification Definitions 2015. Collection method: clinical testing. Allele origin: germline. Observed: 1 variant allele, 1 heterozygote.